The following is an entry in ClinVar:

ClinVar aggregate classification (germline): Uncertain significance. Review status: criteria provided, multiple submitters, no conflicts (2 of 4 stars). 2 submissions from 2 submitters: Uncertain significance (2). Last evaluated 2024-09-04.

Conditions:
Hereditary cancer-predisposing syndrome. Also called: Neoplastic Syndromes, Hereditary; Tumor predisposition; Hereditary Cancer Syndrome; Hereditary neoplastic syndrome. Identifiers: Orphanet 140162, MedGen C0027672, MeSH D009386, MONDO:0015356.
Bloom syndrome (BLM). Also called: Bloom-Torre-Machacek syndrome. Identifiers: Orphanet 125, MedGen C0005859, MONDO:0008876, OMIM 210900.

Submissions (2):

Labcorp Genetics (formerly Invitae), Labcorp
Classification: Uncertain significance for Bloom syndrome. Last evaluated: 2024-09-04. Review status: criteria provided, single submitter. Criteria: Invitae Variant Classification Sherloc (09022015). Collection method: clinical testing. Allele origin: germline.
Comment: This sequence change replaces valine, which is neutral and non-polar, with alanine, which is neutral and non-polar, at codon 286 of the BLM protein (p.Val286Ala). This variant is not present in population databases (gnomAD no frequency). This variant has not been reported in the literature in individuals affected with BLM-related conditions. ClinVar contains an entry for this variant (Variation ID: 1763919). Invitae Evidence Modeling of protein sequence and biophysical properties (such as structural, functional, and spatial information, amino acid conservation, physicochemical variation, residue mobility, and thermodynamic stability) indicates that this missense variant is not expected to disrupt BLM protein function with a negative predictive value of 80%. In summary, the available evidence is currently insufficient to determine the role of this variant in disease. Therefore, it has been classified as a Variant of Uncertain Significance.

Ambry Genetics
Classification: Uncertain significance for Hereditary cancer-predisposing syndrome. Last evaluated: 2024-07-23. Review status: criteria provided, single submitter. Criteria: Ambry Variant Classification Scheme 2023. Collection method: clinical testing. Allele origin: germline.
Comment: The p.V286A variant (also known as c.857T>C), located in coding exon 3 of the BLM gene, results from a T to C substitution at nucleotide position 857. The valine at codon 286 is replaced by alanine, an amino acid with similar properties. This amino acid position is conserved. In addition, this alteration is predicted to be tolerated by in silico analysis. Since supporting evidence is limited at this time, the clinical significance of this alteration remains unclear.

NM_000057.4(BLM):c.857T>C (p.Val286Ala)

Gene: BLM (BLM RecQ like helicase; plus strand). Cytogenetic location: 15q26.1.
Variant type: single nucleotide variant.
Coding change: c.857T>C on transcript NM_000057.4 (MANE Select); coding-DNA position 857, T replaced by C.
Protein change: p.Val286Ala; replaces valine 286 with alanine.
Molecular consequence: missense variant. On other transcripts: 5 prime UTR variant (1).
Genome position (GRCh38, 1-based): chr15:90,751,844, T>C. VCF-style: chr15-90751844-T-C. GRCh37 (hg19) VCF-style: chr15-91295074-T-C.
Other names: c.857T>C, p.Val286Ala (NM_001287246.2, NM_001287247.2); c.-435T>C (NM_001287248.2); short protein forms V286A.
Identifiers: ClinVar variation 1763919 (VCV001763919.7), dbSNP rs2505399850, ClinGen allele CA393841742.